The following is an entry in ClinVar:

ClinVar aggregate classification (germline): Uncertain significance (1 of 4 stars; one submission).

Submission:

Labcorp Genetics (formerly Invitae), Labcorp
Classification: Uncertain significance. Last evaluated: 2024-05-21. Review status: criteria provided, single submitter. Criteria: Invitae Variant Classification Sherloc (09022015). Collection method: clinical testing. Allele origin: germline.
Comment: This sequence change replaces glutamic acid, which is acidic and polar, with valine, which is neutral and non-polar, at codon 325 of the TUBB2A protein (p.Glu325Val). This variant is not present in population databases (gnomAD no frequency). This variant has not been reported in the literature in individuals affected with TUBB2A-related conditions. Advanced modeling of protein sequence and biophysical properties (such as structural, functional, and spatial information, amino acid conservation, physicochemical variation, residue mobility, and thermodynamic stability) performed at Invitae indicates that this missense variant is expected to disrupt TUBB2A protein function with a positive predictive value of 80%. In summary, the available evidence is currently insufficient to determine the role of this variant in disease. Therefore, it has been classified as a Variant of Uncertain Significance.

NM_001069.3(TUBB2A):c.974A>T (p.Glu325Val)

Gene: TUBB2A (tubulin beta 2A class IIa; minus strand). Cytogenetic location: 6p25.2.
Variant type: single nucleotide variant.
Coding change: c.974A>T on transcript NM_001069.3 (MANE Select); coding-DNA position 974, A replaced by T.
Protein change: p.Glu325Val; replaces glutamic acid 325 with valine.
Molecular consequence: missense variant.
Genome position (GRCh38, 1-based): chr6:3,154,227, T>A on the plus strand (A>T on the coding strand, the complement: TUBB2A is on the minus strand). VCF-style: chr6-3154227-T-A. GRCh37 (hg19) VCF-style: chr6-3154461-T-A.
Other names: c.719A>T, p.Glu240Val (NM_001310315.2); short protein forms E325V, E240V.
Identifiers: ClinVar variation 3654076 (VCV003654076.2).